The following is an entry in ClinVar:

NM_001042492.3(NF1):c.649del (p.Glu217fs)

Gene: NF1 (neurofibromin 1; plus strand). Cytogenetic location: 17q11.2.
Variant type: Deletion.
Coding change: c.649del on transcript NM_001042492.3 (MANE Select); coding-DNA position 649, one base deleted (G; older notation c.649delG).
Protein change: p.Glu217fs; shifts the reading frame from glutamic acid 217.
Molecular consequence: frameshift variant.
Genome position (GRCh38, 1-based): chr17:31,181,484, G deleted; the last of 2 consecutive G bases (chr17:31,181,483-31,181,484); deleting either gives the same sequence. VCF-style (leftmost placement, unchanged base first): chr17-31181482-TG-T. GRCh37 (hg19) VCF-style: chr17-29508500-TG-T.
Other names: c.649delG, p.Glu217Lysfs (NM_000267.4); c.649del, p.Glu217fs (NM_001128147.3); c.649delG (NM_000267.3); short protein forms E217fs.
Identifiers: ClinVar variation 4994714 (VCV004994714.1), dbSNP rs2143774689.

ClinVar aggregate classification (germline): Pathogenic (1 of 4 stars; one submission).

Conditions:
NF1-related disorder. Also called: NF1-related condition. Identifiers: MedGen CN379171.

Submission:

PreventionGenetics, part of Exact Sciences
Classification: Pathogenic for NF1-related condition. Last evaluated: 2026-08-06. Review status: criteria provided, single submitter. Criteria: ACMG Guidelines, 2015. Collection method: clinical testing. Allele origin: germline.
Comment: The NF1 c.649delG variant is predicted to result in a frameshift and premature protein termination (p.Glu217Lysfs*8). This variant was reported in individuals with clinical features consistent with neurofibromatosis type 1 (Paulo et al. 2017. PubMed ID: 28529006; Melloni et al. 2019. PubMed ID: 31766501). This variant has not been reported in a large population database (gnomAD), indicating this variant is rare. At the time of reporting it was not present in ClinVar. Frameshift variants in NF1 are expected to be pathogenic. This variant is interpreted as pathogenic.